The following is an entry in ClinVar:

ClinVar aggregate classification (germline): Uncertain significance (1 of 4 stars; one submission).

Allele frequency attached by ClinVar (database versions not stated): ExAC 0.00003; TOPMed 0.00003; gnomAD exomes 0.00006; gnomAD 0.00007.

Submission:

Labcorp Genetics (formerly Invitae), Labcorp
Classification: Uncertain significance. Last evaluated: 2022-11-29. Review status: criteria provided, single submitter. Criteria: Invitae Variant Classification Sherloc (09022015). Collection method: clinical testing. Allele origin: germline.
Comment: In summary, the available evidence is currently insufficient to determine the role of this variant in disease. Therefore, it has been classified as a Variant of Uncertain Significance. Advanced modeling of protein sequence and biophysical properties (such as structural, functional, and spatial information, amino acid conservation, physicochemical variation, residue mobility, and thermodynamic stability) performed at Invitae indicates that this missense variant is not expected to disrupt AASS protein function. This variant has not been reported in the literature in individuals affected with AASS-related conditions. This variant is present in population databases (rs766257837, gnomAD 0.009%). This sequence change replaces glutamic acid, which is acidic and polar, with lysine, which is basic and polar, at codon 98 of the AASS protein (p.Glu98Lys).

NM_005763.4(AASS):c.292G>A (p.Glu98Lys)

Gene: AASS (aminoadipate-semialdehyde synthase; minus strand). Cytogenetic location: 7q31.32.
Variant type: single nucleotide variant.
Coding change: c.292G>A on transcript NM_005763.4 (MANE Select); coding-DNA position 292, G replaced by A.
Protein change: p.Glu98Lys; replaces glutamic acid 98 with lysine.
Molecular consequence: missense variant.
Genome position (GRCh38, 1-based): chr7:122,129,456, C>T on the plus strand (G>A on the coding strand, the complement: AASS is on the minus strand). VCF-style: chr7-122129456-C-T. GRCh37 (hg19) VCF-style: chr7-121769510-C-T.
Other names: short protein forms E98K.
Identifiers: ClinVar variation 2765312 (VCV002765312.3), dbSNP rs766257837, ClinGen allele CA4458685.